The following is an entry in ClinVar:

NM_032217.5(ANKRD17):c.5768C>T (p.Thr1923Ile)

Gene: ANKRD17 (ankyrin repeat domain 17; minus strand). Cytogenetic location: 4q13.3.
Variant type: single nucleotide variant.
Coding change: c.5768C>T on transcript NM_032217.5 (MANE Select); coding-DNA position 5768, C replaced by T.
Protein change: p.Thr1923Ile; replaces threonine 1923 with isoleucine.
Molecular consequence: missense variant.
Genome position (GRCh38, 1-based): chr4:73,091,860, G>A on the plus strand (C>T on the coding strand, the complement: ANKRD17 is on the minus strand). VCF-style: chr4-73091860-G-A. GRCh37 (hg19) VCF-style: chr4-73957577-G-A.
Other names: c.5429C>T, p.Thr1810Ile (NM_001286771.3); c.5765C>T, p.Thr1922Ile (NM_015574.2); c.5015C>T, p.Thr1672Ile (NM_198889.3); short protein forms T1672I, T1810I, T1922I, T1923I.
Identifiers: ClinVar variation 1806660 (VCV001806660.1), dbSNP rs2530174493, ClinGen allele CA357216647.
Genomic context (GRCh38, chr4:73,091,860, plus strand): 5'-GGCTTAGGCGAGTTAGTAGCTCTGGCAGGGCTCAAAGGCCTGACAGGAAACGGACCCCAA[G>A]TGGATTGAGCTGGTGGAAAAGTACCTCCAAAGTGGGTCATGGGCAACCTTGGTGGACGGA-3'
Protein context (NP_115593.3, residues 1913-1933): FGGTFPPAQS[Thr1923Ile]WGPFPVRPLS

ClinVar aggregate classification (germline): Uncertain significance (1 of 4 stars; one submission).

Submission:

GeneDx
Classification: Uncertain significance. Last evaluated: 2022-06-21. Review status: criteria provided, single submitter. Criteria: GeneDx Variant Classification Process June 2021. Collection method: clinical testing. Allele origin: germline. Affected: yes.
Comment: Not observed at significant frequency in large population cohorts (gnomAD); In silico analysis supports that this missense variant has a deleterious effect on protein structure/function; Has not been previously published as pathogenic or benign to our knowledge